The following is an entry in ClinVar:

NM_002470.4(MYH3):c.5738_5739delinsGT (p.Ile1913Ser)

Gene: MYH3 (myosin heavy chain 3; minus strand). Cytogenetic location: 17p13.1.
Variant type: Indel.
Coding change: c.5738_5739delinsGT on transcript NM_002470.4 (MANE Select); coding-DNA positions 5738 to 5739, TC replaced by GT.
Protein change: p.Ile1913Ser; replaces isoleucine 1913 with serine.
Molecular consequence: missense variant.
Genome position (GRCh38, 1-based): chr17:10,629,654-10,629,655, GA replaced by AC on the plus strand (TC replaced by GT on the coding strand, the reverse complement: MYH3 is on the minus strand). VCF-style: chr17-10629654-GA-AC. GRCh37 (hg19) VCF-style: chr17-10532971-GA-AC.
Other names: short protein forms I1913S.
Identifiers: ClinVar variation 2716579 (VCV002716579.3), dbSNP rs2508559089, ClinGen allele CA2697559424.

ClinVar aggregate classification (germline): Uncertain significance (1 of 4 stars; one submission).

Submission:

Labcorp Genetics (formerly Invitae), Labcorp
Classification: Uncertain significance. Last evaluated: 2023-07-08. Review status: criteria provided, single submitter. Criteria: Invitae Variant Classification Sherloc (09022015). Collection method: clinical testing. Allele origin: germline.
Comment: Information on the frequency of this variant in the gnomAD database is not available, as this variant may be reported differently in the database. This sequence change replaces isoleucine, which is neutral and non-polar, with serine, which is neutral and polar, at codon 1913 of the MYH3 protein (p.Ile1913Ser). This variant has not been reported in the literature in individuals affected with MYH3-related conditions. In summary, the available evidence is currently insufficient to determine the role of this variant in disease. Therefore, it has been classified as a Variant of Uncertain Significance. An algorithm developed to predict the effect of missense changes on protein structure and function (PolyPhen-2) suggests that this variant is likely to be disruptive.